The following is an entry in ClinVar:

ClinVar aggregate classification (germline): Uncertain significance (1 of 4 stars; one submission).

Allele frequency attached by ClinVar (database versions not stated): gnomAD exomes 0.00001; TOPMed 0.00006; gnomAD 0.00007.
gnomAD v4.1: 19 of 1,594,018 alleles (0.0012%); highest among the groups gnomAD compares: African/African-American, 0.016%; no homozygotes.

Submission:

Labcorp Genetics (formerly Invitae), Labcorp
Classification: Uncertain significance. Last evaluated: 2024-03-07. Review status: criteria provided, single submitter. Criteria: Invitae Variant Classification Sherloc (09022015). Collection method: clinical testing. Allele origin: germline.
Comment: This sequence change replaces glutamic acid, which is acidic and polar, with glycine, which is neutral and non-polar, at codon 130 of the TMED7 protein (p.Glu130Gly). This variant is present in population databases (no rsID available, gnomAD 0.02%). This variant has not been reported in the literature in individuals affected with TMED7-related conditions. ClinVar contains an entry for this variant (Variation ID: 2189428). An algorithm developed to predict the effect of missense changes on protein structure and function (PolyPhen-2) suggests that this variant is likely to be disruptive. In summary, the available evidence is currently insufficient to determine the role of this variant in disease. Therefore, it has been classified as a Variant of Uncertain Significance.

NM_181836.6(TMED7):c.389A>G (p.Glu130Gly)

Genes: TMED7 (transmembrane p24 trafficking protein 7; minus strand), TMED7-TICAM2 (TMED7-TICAM2 readthrough; minus strand). Cytogenetic location: 5q22.3.
Variant type: single nucleotide variant.
Coding change: c.389A>G on transcript NM_181836.6 (MANE Select); coding-DNA position 389, A replaced by G.
Protein change: p.Glu130Gly; replaces glutamic acid 130 with glycine.
Molecular consequence: missense variant.
Genome position (GRCh38, 1-based): chr5:115,620,484, T>C on the plus strand (A>G on the coding strand, the complement: TMED7 is on the minus strand). VCF-style: chr5-115620484-T-C. GRCh37 (hg19) VCF-style: chr5-114956181-T-C.
Other names: c.389A>G, p.Glu130Gly (NM_001164468.4, NM_001164469.4); short protein forms E130G.
Identifiers: ClinVar variation 2189428 (VCV002189428.4), dbSNP rs1028140309, ClinGen allele CA125799981.